The following is an entry in ClinVar:

ClinVar aggregate classification (germline): Uncertain significance (1 of 4 stars; one submission).

Conditions:
Joubert syndrome 23 (JBTS23). Identifiers: Orphanet 475, MedGen C4084822, MONDO:0014664, OMIM 616490.
Short-rib thoracic dysplasia 14 with polydactyly (SRTD14). Identifiers: Orphanet 397715, MedGen C4225286, MONDO:0014688, OMIM 616546.

Allele frequency attached by ClinVar (database versions not stated): gnomAD 0.00001; gnomAD exomes 0.00001.

Submission:

Labcorp Genetics (formerly Invitae), Labcorp
Classification: Uncertain significance for Joubert syndrome 23; Short-rib thoracic dysplasia 14 with polydactyly. Last evaluated: 2022-06-11. Review status: criteria provided, single submitter. Criteria: Invitae Variant Classification Sherloc (09022015). Collection method: clinical testing. Allele origin: germline.
Comment: This variant, c.3328_3330dup, results in the insertion of 1 amino acid(s) of the KIAA0586 protein (p.Thr1110dup), but otherwise preserves the integrity of the reading frame. In summary, the available evidence is currently insufficient to determine the role of this variant in disease. Therefore, it has been classified as a Variant of Uncertain Significance. Experimental studies and prediction algorithms are not available or were not evaluated, and the functional significance of this variant is currently unknown. This variant has not been reported in the literature in individuals affected with KIAA0586-related conditions. The frequency data for this variant in the population databases is considered unreliable, as metrics indicate poor data quality at this position in the gnomAD database.

NM_001329943.3(KIAA0586):c.3169_3171dup (p.Thr1057_Pro1058insThr)

Gene: KIAA0586 (KIAA0586; plus strand). Cytogenetic location: 14q23.1.
Variant type: Duplication.
Coding change: c.3169_3171dup on transcript NM_001329943.3 (MANE Select); coding-DNA positions 3169 to 3171, 3 bases duplicated (ACC; older notation c.3169_3171dupACC).
Protein change: p.Thr1057_Pro1058insThr.
Molecular consequence: inframe insertion.
Genome position (GRCh38, 1-based): chr14:58,487,031-58,487,033, ACC duplicated. VCF-style (leftmost placement, unchanged base first): chr14-58487030-T-TACC. GRCh37 (hg19) VCF-style: chr14-58953748-T-TACC.
Other names: c.3328_3330dup, p.Thr1110_Pro1111insThr (NM_001244189.2); c.3124_3126dup, p.Thr1042_Pro1043insThr (NM_001244190.2); c.2914_2916dup, p.Thr972_Pro973insThr (NM_001244191.2, NM_001329945.2, NM_001364700.1 and 1 more transcripts); c.3037_3039dup, p.Thr1013_Pro1014insThr (NM_001244192.2); c.2749_2751dup, p.Thr917_Pro918insThr (NM_001244193.2); c.3169_3171dup, p.Thr1057_Pro1058insThr (NM_001329944.2, NM_001329946.2, NM_001329947.2); c.2941_2943dup, p.Thr981_Pro982insThr (NM_014749.5).
Identifiers: ClinVar variation 2140423 (VCV002140423.4), dbSNP rs1255154711, ClinGen allele CA614733503.